The following is an entry in ClinVar:

NM_001369268.1(ACAN):c.1951A>G (p.Arg651Gly)

Gene: ACAN (aggrecan; plus strand). Cytogenetic location: 15q26.1.
Variant type: single nucleotide variant.
Coding change: c.1951A>G on transcript NM_001369268.1 (MANE Select); coding-DNA position 1951, A replaced by G.
Protein change: p.Arg651Gly; replaces arginine 651 with glycine.
Molecular consequence: missense variant.
Genome position (GRCh38, 1-based): chr15:88,849,656, A>G. VCF-style: chr15-88849656-A-G. GRCh37 (hg19) VCF-style: chr15-89392887-A-G.
Other names: c.1951A>G, p.Arg651Gly (NM_001135.4, NM_001411096.1, NM_001411097.1 and 1 more transcripts); short protein forms R651G.
Identifiers: ClinVar variation 4694642 (VCV004694642.3).

ClinVar aggregate classification (germline): Uncertain significance. Review status: criteria provided, multiple submitters, no conflicts (2 of 4 stars). 2 submissions from 2 submitters: Uncertain significance (2). Last evaluated 2025-11-28.

gnomAD v4.1: 1 of 1,613,584 alleles (0.000062%); highest among the groups gnomAD compares: Non-Finnish European, 0.000085%; no homozygotes.

Submissions (2):

Labcorp Genetics (formerly Invitae), Labcorp
Classification: Uncertain significance. Last evaluated: 2025-11-28. Review status: criteria provided, single submitter. Criteria: Invitae Variant Classification Sherloc (09022015). Collection method: clinical testing. Allele origin: germline.
Comment: This sequence change replaces arginine, which is basic and polar, with glycine, which is neutral and non-polar, at codon 651 of the ACAN protein (p.Arg651Gly). This variant is not present in population databases (gnomAD no frequency). This variant has not been reported in the literature in individuals affected with ACAN-related conditions. Invitae Evidence Modeling of protein sequence and biophysical properties (such as structural, functional, and spatial information, amino acid conservation, physicochemical variation, residue mobility, and thermodynamic stability) indicates that this missense variant is not expected to disrupt ACAN protein function with a negative predictive value of 80%. In summary, the available evidence is currently insufficient to determine the role of this variant in disease. Therefore, it has been classified as a Variant of Uncertain Significance.

Dasa
Classification: Uncertain significance. Last evaluated: 2025-04-30. Review status: criteria provided, single submitter. Criteria: DASA Assertion Criteria. Collection method: clinical testing. Allele origin: germline.
Comment: NM_001369268.1(ACAN):c.1951A>G (p.Arg651Gly) is a missense variant that results in the substitution of arginine with glycine. This variant is rare in population databases. Computational prediction algorithms are consistent with a benign effect. The currently available literature and clinical evidence are not sufficient to establish a definitive association between this variant and the reported condition. Therefore, this variant is classified as a variant of uncertain significance.